The following is an entry in ClinVar:

ClinVar aggregate classification (germline): Pathogenic (1 of 4 stars; one submission).

Submission:

GeneDx
Classification: Pathogenic. Last evaluated: 2017-10-02. Review status: criteria provided, single submitter. Criteria: GeneDx Variant Classification (06012015). Collection method: clinical testing. Allele origin: germline. Affected: yes.
Comment: The c.281+1G>A variant in the TBX4 gene has not been reported previously as a pathogenic variant nor as a benign variant, to our knowledge. This splice site variant destroys the canonical splice donor site in intron 2. It is predicted to cause abnormal gene splicing, either leading to an abnormal message that is subject to nonsense-mediated mRNA decay, or to an abnormal protein product if the message is used for protein translation. The c.281+1G>A variant is not observed in large population cohorts (Lek et al., 2016). We interpret c.281+1G>A as a pathogenic variant.

NM_001321120.2(TBX4):c.281+1G>A

Gene: TBX4 (T-box transcription factor 4; plus strand). Cytogenetic location: 17q23.2.
Variant type: single nucleotide variant.
Coding change: c.281+1G>A on transcript NM_001321120.2 (MANE Select); the canonical splice donor site of the intron after coding-DNA position 281, G replaced by A.
Molecular consequence: splice donor variant.
Genome position (GRCh38, 1-based): chr17:61,457,632, G>A. VCF-style: chr17-61457632-G-A. GRCh37 (hg19) VCF-style: chr17-59534993-G-A.
Other names: c.281+1G>A (NM_018488.3).
Identifiers: ClinVar variation 452418 (VCV000452418.2), dbSNP rs1555881112, ClinGen allele CA400469855.
Genomic context (GRCh38, chr17:61,457,632, plus strand): 5'-GGAGCTCTGGAAGAAGTTCCACGAGGCGGGCACCGAGATGATCATCACTAAGGCTGGCAG[G>A]TCAGCGCTGGGAGATTTACTTCCGGGGATGGCGGTGGGGAGCAAGGGGGGCCAGGGAGGT-3'